The following is an entry in ClinVar:

NM_001613.4(ACTA2):c.134T>C (p.Val45Ala)

Gene: ACTA2 (actin alpha 2, smooth muscle; minus strand). Cytogenetic location: 10q23.31.
Variant type: single nucleotide variant.
Coding change: c.134T>C on transcript NM_001613.4 (MANE Select); coding-DNA position 134, T replaced by C.
Protein change: p.Val45Ala; replaces valine 45 with alanine.
Molecular consequence: missense variant.
Genome position (GRCh38, 1-based): chr10:88,947,382, A>G on the plus strand (T>C on the coding strand, the complement: ACTA2 is on the minus strand). VCF-style: chr10-88947382-A-G. GRCh37 (hg19) VCF-style: chr10-90707139-A-G.
Other names: c.134T>C, p.Val45Ala (NM_001141945.3, NM_001320855.2, NM_001406462.1 and 4 more transcripts); short protein forms V45A.
Identifiers: ClinVar variation 536914 (VCV000536914.12), dbSNP rs1554841848, ClinGen allele CA377513557.
Genomic context (GRCh38, chr10:88,947,382, plus strand): 5'-CCTCTTTTGCTCTGTGCTTCGTCACCCACGTAGCTGTCTTTTTGTCCCATTCCCACCATC[A>G]CCCCCTAAAAAGGTTCAACACATTATGAGTCAGCATCTCCCAAAACTTGTGAATCAATTA-3'
Protein context (NP_001604.1, residues 35-55): SIVGRPRHQG[Val45Ala]MVGMGQKDSY

ClinVar aggregate classification (germline): Uncertain significance (1 of 4 stars; one submission).

Conditions:
Aortic aneurysm, familial thoracic 6 (AAT6). Also called: FAMILIAL THORACIC AORTIC ANEURYSM WITH LIVEDO RETICULARIS AND IRIS FLOCCULI. Identifiers: MedGen C2673186, MONDO:0012730, OMIM 611788.

Submission:

Labcorp Genetics (formerly Invitae), Labcorp
Classification: Uncertain significance for Aortic aneurysm, familial thoracic 6. Last evaluated: 2022-07-12. Review status: criteria provided, single submitter. Criteria: Invitae Variant Classification Sherloc (09022015). Collection method: clinical testing. Allele origin: germline.
Comment: This sequence change replaces valine, which is neutral and non-polar, with alanine, which is neutral and non-polar, at codon 45 of the ACTA2 protein (p.Val45Ala). This variant is not present in population databases (gnomAD no frequency). This variant has not been reported in the literature in individuals affected with ACTA2-related conditions. ClinVar contains an entry for this variant (Variation ID: 536914). Advanced modeling of protein sequence and biophysical properties (such as structural, functional, and spatial information, amino acid conservation, physicochemical variation, residue mobility, and thermodynamic stability) performed at Invitae indicates that this missense variant is expected to disrupt ACTA2 protein function. In summary, the available evidence is currently insufficient to determine the role of this variant in disease. Therefore, it has been classified as a Variant of Uncertain Significance.